The following is an entry in ClinVar:

ClinVar aggregate classification (germline): Conflicting classifications of pathogenicity. Review status: criteria provided, conflicting classifications (1 of 4 stars). 2 submissions from 2 submitters: Likely pathogenic (1); Uncertain significance (1). Last evaluated 2023-11-26.

Conditions:
CDK13-related disorder. Also called: CDK13-related condition. Identifiers: MedGen C5816700.

Submissions (2):

GeneDx
Classification: Uncertain significance. Last evaluated: 2023-11-26. Review status: criteria provided, single submitter. Criteria: GeneDx Variant Classification Process June 2021. Collection method: clinical testing. Allele origin: germline. Affected: yes.
Comment: Not observed at significant frequency in large population cohorts (gnomAD); Frameshift variant predicted to result in protein truncation or nonsense mediated decay in a gene or region of a gene for which loss of function is not a well-established mechanism of disease; Has not been previously published as pathogenic or benign to our knowledge

PreventionGenetics, part of Exact Sciences
Classification: Likely pathogenic for CDK13-related condition. Last evaluated: 2023-05-15. Review status: criteria provided, single submitter. Criteria: ACMG Guidelines, 2015. Collection method: clinical testing. Allele origin: germline.
Comment: The CDK13 c.476dupT variant is predicted to result in a frameshift and premature protein termination (p.Ala162Glyfs*108). To our knowledge, this variant has not been reported in the literature or in a large population database, indicating this variant is rare. Frameshift variants in CDK13 are expected to be pathogenic. This variant is interpreted as likely pathogenic.

NM_003718.5(CDK13):c.476dup (p.Ala162fs)

Genes: CDK13 (cyclin dependent kinase 13; plus strand), LOC129998292 (ATAC-STARR-seq lymphoblastoid silent region 18115; plus strand). Cytogenetic location: 7p14.1.
Variant type: Duplication.
Coding change: c.476dup on transcript NM_003718.5 (MANE Select); coding-DNA position 476, one base duplicated (T; older notation c.476dupT).
Protein change: p.Ala162fs; shifts the reading frame from alanine 162.
Molecular consequence: frameshift variant.
Genome position (GRCh38, 1-based): chr7:39,951,117, T duplicated. VCF-style (leftmost placement, unchanged base first): chr7-39951116-C-CT. GRCh37 (hg19) VCF-style: chr7-39990715-C-CT.
Other names: c.476dupT (NM_003718.4); c.476dup, p.Ala162Glyfs (NM_031267.4); short protein forms A162fs.
Identifiers: ClinVar variation 2633047 (VCV002633047.2), dbSNP rs2483670958, ClinGen allele CA2695198472.